The following is an entry in ClinVar:

ClinVar aggregate classification (germline): Uncertain significance (1 of 4 stars; one submission).

Conditions:
Bethlem myopathy 1A. Also called: Bethlem Muscular Dystrophy; MYOPATHY, BENIGN CONGENITAL, WITH CONTRACTURES; Bethlem myopathy 1. Identifiers: Orphanet 610, MedGen CN029274, MONDO:0024530, OMIM 158810.

Submission:

Labcorp Genetics (formerly Invitae), Labcorp
Classification: Uncertain significance for Bethlem myopathy 1A. Last evaluated: 2023-08-04. Review status: criteria provided, single submitter. Criteria: Invitae Variant Classification Sherloc (09022015). Collection method: clinical testing. Allele origin: germline.
Comment: This variant is not present in population databases (gnomAD no frequency). In summary, the available evidence is currently insufficient to determine the role of this variant in disease. Therefore, it has been classified as a Variant of Uncertain Significance. Advanced modeling of protein sequence and biophysical properties (such as structural, functional, and spatial information, amino acid conservation, physicochemical variation, residue mobility, and thermodynamic stability) performed at Invitae indicates that this missense variant is not expected to disrupt COL6A2 protein function. ClinVar contains an entry for this variant (Variation ID: 476491). This variant has not been reported in the literature in individuals affected with COL6A2-related conditions. This sequence change replaces aspartic acid, which is acidic and polar, with histidine, which is basic and polar, at codon 227 of the COL6A2 protein (p.Asp227His).

NM_001849.4(COL6A2):c.679G>C (p.Asp227His)

Gene: COL6A2 (collagen type VI alpha 2 chain; plus strand). Cytogenetic location: 21q22.3.
Variant type: single nucleotide variant.
Coding change: c.679G>C on transcript NM_001849.4 (MANE Select); coding-DNA position 679, G replaced by C.
Protein change: p.Asp227His; replaces aspartic acid 227 with histidine.
Molecular consequence: missense variant.
Genome position (GRCh38, 1-based): chr21:46,112,542, G>C. VCF-style: chr21-46112542-G-C. GRCh37 (hg19) VCF-style: chr21-47532456-G-C.
Other names: c.679G>C, p.Asp227His (NM_058174.3, NM_058175.3); short protein forms D227H.
Identifiers: ClinVar variation 476491 (VCV000476491.9), dbSNP rs35881321, ClinGen allele CA321957411.